The following is an entry in ClinVar:

ClinVar aggregate classification (germline): Uncertain significance (1 of 4 stars; one submission).

Allele frequency attached by ClinVar (database versions not stated): ExAC 0.00001; gnomAD 0.00001; gnomAD exomes 0.00001 and 0.00003; TOPMed 0.00001.
gnomAD v4.1: 9 of 1,613,548 alleles (0.00056%); highest among the groups gnomAD compares: Admixed American, 0.015%; no homozygotes.

Submission:

Labcorp Genetics (formerly Invitae), Labcorp
Classification: Uncertain significance. Last evaluated: 2024-04-10. Review status: criteria provided, single submitter. Criteria: Invitae Variant Classification Sherloc (09022015). Collection method: clinical testing. Allele origin: germline.
Comment: This sequence change replaces phenylalanine, which is neutral and non-polar, with valine, which is neutral and non-polar, at codon 448 of the RAB3GAP1 protein (p.Phe448Val). This variant is present in population databases (rs756247418, gnomAD 0.02%). This variant has not been reported in the literature in individuals affected with RAB3GAP1-related conditions. ClinVar contains an entry for this variant (Variation ID: 1416118). Advanced modeling of protein sequence and biophysical properties (such as structural, functional, and spatial information, amino acid conservation, physicochemical variation, residue mobility, and thermodynamic stability) performed at Invitae indicates that this missense variant is not expected to disrupt RAB3GAP1 protein function with a negative predictive value of 80%. In summary, the available evidence is currently insufficient to determine the role of this variant in disease. Therefore, it has been classified as a Variant of Uncertain Significance.

NM_012233.3(RAB3GAP1):c.1342T>G (p.Phe448Val)

Gene: RAB3GAP1 (RAB3 GTPase activating protein catalytic subunit 1; plus strand). Cytogenetic location: 2q21.3.
Variant type: single nucleotide variant.
Coding change: c.1342T>G on transcript NM_012233.3 (MANE Select); coding-DNA position 1342, T replaced by G.
Protein change: p.Phe448Val; replaces phenylalanine 448 with valine.
Molecular consequence: missense variant.
Genome position (GRCh38, 1-based): chr2:135,133,876, T>G. VCF-style: chr2-135133876-T-G. GRCh37 (hg19) VCF-style: chr2-135891446-T-G.
Other names: c.1342T>G, p.Phe448Val (NM_001172435.2); short protein forms F448V.
Identifiers: ClinVar variation 1416118 (VCV001416118.6), dbSNP rs756247418, ClinGen allele CA1884828.